The following is an entry in ClinVar:

ClinVar aggregate classification (germline): Uncertain significance. Review status: criteria provided, multiple submitters, no conflicts (2 of 4 stars). 2 submissions from 2 submitters: Uncertain significance (2). Last evaluated 2024-06-27.

Conditions:
Charcot-Marie-Tooth disease type 4. Also called: Charcot-Marie-Tooth disease, type IV; Charcot-Marie-Tooth, Type 4. Identifiers: Orphanet 64749, MedGen C4082197, MONDO:0018995.

Allele frequency attached by ClinVar (database versions not stated): ExAC 0.00001; gnomAD 0.00001; gnomAD exomes 0.00001; TOPMed 0.00003.
gnomAD v4.1: 5 of 1,611,928 alleles (0.00031%); highest among the groups gnomAD compares: South Asian, 0.0011%; no homozygotes.

Submissions (2):

GeneDx
Classification: Uncertain significance. Last evaluated: 2024-06-27. Review status: criteria provided, single submitter. Criteria: GeneDx Variant Classification Process June 2021. Collection method: clinical testing. Allele origin: germline. Affected: yes.
Comment: Not observed at significant frequency in large population cohorts (gnomAD); In silico analysis indicates that this missense variant does not alter protein structure/function; Has not been previously published as pathogenic or benign to our knowledge

Labcorp Genetics (formerly Invitae), Labcorp
Classification: Uncertain significance for Charcot-Marie-Tooth disease type 4. Last evaluated: 2019-07-17. Review status: criteria provided, single submitter. Criteria: Invitae Variant Classification Sherloc (09022015). Collection method: clinical testing. Allele origin: germline.
Comment: Algorithms developed to predict the effect of sequence changes on RNA splicing suggest that this variant may create or strengthen a splice site, but this prediction has not been confirmed by published transcriptional studies. In summary, the available evidence is currently insufficient to determine the role of this variant in disease. Therefore, it has been classified as a Variant of Uncertain Significance. Algorithms developed to predict the effect of missense changes on protein structure and function output the following: SIFT: "Tolerated"; PolyPhen-2: "Benign"; Align-GVGD: "Class C0". The valine amino acid residue is found in multiple mammalian species, suggesting that this missense change does not adversely affect protein function. These predictions have not been confirmed by published functional studies and their clinical significance is uncertain. This sequence change replaces methionine with valine at codon 665 of the PRX protein (p.Met665Val). The methionine residue is weakly conserved and there is a small physicochemical difference between methionine and valine. This variant is present in population databases (rs747528144, ExAC 0.002%). This variant has not been reported in the literature in individuals with PRX-related conditions.

NM_181882.3(PRX):c.1993A>G (p.Met665Val)

Gene: PRX (periaxin; minus strand). Cytogenetic location: 19q13.2.
Variant type: single nucleotide variant.
Coding change: c.1993A>G on transcript NM_181882.3 (MANE Select); coding-DNA position 1993, A replaced by G.
Protein change: p.Met665Val; replaces methionine 665 with valine.
Molecular consequence: missense variant. On other transcripts: 3 prime UTR variant (1).
Genome position (GRCh38, 1-based): chr19:40,396,359, T>C on the plus strand (A>G on the coding strand, the complement: PRX is on the minus strand). VCF-style: chr19-40396359-T-C. GRCh37 (hg19) VCF-style: chr19-40902266-T-C.
Other names: c.*2198A>G (NM_020956.2); short protein forms M665V.
Identifiers: ClinVar variation 959134 (VCV000959134.9), dbSNP rs747528144, ClinGen allele CA9444146.